The following is an entry in ClinVar:

NM_002458.3(MUC5B):c.15939C>T (p.Asn5313=)

Gene: MUC5B (mucin 5B, oligomeric mucus/gel-forming; plus strand). Cytogenetic location: 11p15.5.
Variant type: single nucleotide variant.
Coding change: c.15939C>T on transcript NM_002458.3 (MANE Select); coding-DNA position 15939, C replaced by T.
Protein change: p.Asn5313=; no amino-acid change (asparagine 5313 retained).
Molecular consequence: synonymous variant.
Genome position (GRCh38, 1-based): chr11:1,255,431, C>T. VCF-style: chr11-1255431-C-T. GRCh37 (hg19) VCF-style: chr11-1276661-C-T.
Identifiers: ClinVar variation 724683 (VCV000724683.17), dbSNP rs373364716, ClinGen allele CA5809232.
Genomic context (GRCh38, chr11:1,255,431, plus strand): 5'-TTTGCCCCACAGGGTCTTTGCTGAGTGCCACAACCTTGTGCCCCCGGGCCCATTCTTCAA[C>T]GCCTGCATCAGCGACCACTGCAGGGGCCGCCTTGAGGTGCCCTGCCAGAGCCTGGAGGCT-3'
Protein context (NP_002449.2, residues 5303-5323): HNLVPPGPFF[Asn5313=]ACISDHCRGR

ClinVar aggregate classification (germline): Benign/Likely benign. Review status: criteria provided, multiple submitters, no conflicts (2 of 4 stars). 3 submissions from 3 submitters: Benign (1); Likely benign (1). 1 of the submissions does not count toward it. Last evaluated 2024-12-01.

Conditions:
MUC5B-related disorder. Also called: MUC5B-related condition.

Allele frequency attached by ClinVar (database versions not stated): 1000 Genomes Project 0.00020; 1000 Genomes Project 30x 0.00047; gnomAD 0.00143 and 0.00150; gnomAD exomes 0.00144 and 0.00256; TOPMed 0.00146; ExAC 0.00228; ESP Exome Variant Server 0.00261.
gnomAD v4.1: 3,849 of 1,605,158 alleles (0.24%); highest among the groups gnomAD compares: Non-Finnish European, 0.31%; 9 homozygotes.

Submissions (3):

CeGaT Center for Human Genetics Tuebingen
Classification: Likely benign. Last evaluated: 2024-12-01. Review status: criteria provided, single submitter. Criteria: CeGaT Center For Human Genetics Tuebingen Variant Classification Criteria Version 2. Collection method: clinical testing. Allele origin: germline. Affected: yes. Observed: 1 variant allele.
Comment: MUC5B: BP4, BP7, BS1

Labcorp Genetics (formerly Invitae), Labcorp
Classification: Benign. Last evaluated: 2018-07-17. Review status: criteria provided, single submitter. Criteria: Invitae Variant Classification Sherloc (09022015). Collection method: clinical testing. Allele origin: germline.

PreventionGenetics, part of Exact Sciences
Classification: Likely benign for MUC5B-related condition. Last evaluated: 2024-04-15. Review status: no assertion criteria provided. Collection method: clinical testing. Allele origin: germline. Not counted in ClinVar's aggregate classification.
Comment: This variant is classified as likely benign based on ACMG/AMP sequence variant interpretation guidelines (Richards et al. 2015 PMID: 25741868, with internal and published modifications).